The following is an entry in ClinVar:

ClinVar aggregate classification (germline): Conflicting classifications of pathogenicity. Review status: criteria provided, conflicting classifications (1 of 4 stars). 3 submissions from 3 submitters: Uncertain significance (2); Likely benign (1). Last evaluated 2026-03-09.

Conditions:
RP1L1-related disorder. Also called: RP1L1-related condition.

gnomAD v4.1: 27 of 1,611,594 alleles (0.0017%); highest among the groups gnomAD compares: Admixed American, 0.045%; no homozygotes.

Submissions (3):

PreventionGenetics, part of Exact Sciences
Classification: Uncertain significance for RP1L1-related condition. Last evaluated: 2026-03-09. Review status: criteria provided, single submitter. Criteria: ACMG Guidelines, 2015. Collection method: clinical testing. Allele origin: germline.
Comment: The RP1L1 c.4780G>A variant is predicted to result in the amino acid substitution p.Ala1594Thr. To our knowledge, this variant has not been reported in the literature. This variant is reported in 0.077% of alleles in individuals of Latino descent in gnomAD v2. However, in gnomAD v4 (available only on GRCh38), this variant is reported in 0.045% of alleles in individuals of Latino descent. At this time, the clinical significance of this variant is uncertain due to the absence of conclusive functional and genetic evidence.

GeneDx
Classification: Uncertain significance. Last evaluated: 2025-04-07. Review status: criteria provided, single submitter. Criteria: GeneDx Variant Classification Process June 2021. Collection method: clinical testing. Allele origin: germline. Affected: yes.
Comment: In silico analysis indicates that this missense variant does not alter protein structure/function; Has not been previously published as pathogenic or benign to our knowledge

Blueprint Genetics
Classification: Likely benign. Last evaluated: 2022-09-01. Review status: criteria provided, single submitter. Criteria: ACMG Guidelines, 2015. Collection method: clinical testing. Allele origin: germline.

NM_178857.6(RP1L1):c.4780G>A (p.Ala1594Thr)

Gene: RP1L1 (RP1 like 1). Cytogenetic location: 8p23.1.
Variant type: single nucleotide variant.
Coding change: c.4780G>A on transcript NM_178857.6 (MANE Select); coding-DNA position 4780, G replaced by A.
Protein change: p.Ala1594Thr; replaces alanine 1594 with threonine.
Molecular consequence: missense variant.
Genome position (GRCh38, 1-based): chr8:10,609,318, C>T on the plus strand (G>A on the coding strand, the complement: RP1L1 is on the minus strand). VCF-style: chr8-10609318-C-T. GRCh37 (hg19) VCF-style: chr8-10466828-C-T.
Other names: short protein forms A1594T.
Identifiers: ClinVar variation 4281836 (VCV004281836.3).